The following is an entry in ClinVar:

ClinVar aggregate classification (germline): Uncertain significance (1 of 4 stars; one submission).

gnomAD v4.1: 8 of 1,614,134 alleles (0.0005%); highest among the groups gnomAD compares: South Asian, 0.0011%; no homozygotes.

Submission:

Labcorp Genetics (formerly Invitae), Labcorp
Classification: Uncertain significance. Last evaluated: 2025-05-05. Review status: criteria provided, single submitter. Criteria: Invitae Variant Classification Sherloc (09022015). Collection method: clinical testing. Allele origin: germline.
Comment: This sequence change affects codon 2208 of the PRPF8 mRNA. It is a 'silent' change, meaning that it does not change the encoded amino acid sequence of the PRPF8 protein. This variant is present in population databases (rs371715532, gnomAD 0.007%). This variant has not been reported in the literature in individuals affected with PRPF8-related conditions. Algorithms developed to predict the effect of sequence changes on RNA splicing suggest that this variant may create or strengthen a splice site. In summary, the available evidence is currently insufficient to determine the role of this variant in disease. Therefore, it has been classified as a Variant of Uncertain Significance.

NM_006445.4(PRPF8):c.6624C>T (p.Gly2208=)

Gene: PRPF8 (pre-mRNA processing factor 8; minus strand). Cytogenetic location: 17p13.3.
Variant type: single nucleotide variant.
Coding change: c.6624C>T on transcript NM_006445.4 (MANE Select); coding-DNA position 6624, C replaced by T.
Protein change: p.Gly2208=; no amino-acid change (glycine 2208 retained).
Molecular consequence: synonymous variant.
Genome position (GRCh38, 1-based): chr17:1,651,440, G>A on the plus strand (C>T on the coding strand, the complement: PRPF8 is on the minus strand). VCF-style: chr17-1651440-G-A. GRCh37 (hg19) VCF-style: chr17-1554734-G-A.
Identifiers: ClinVar variation 4766749 (VCV004766749.1).